The following is an entry in ClinVar:

ClinVar aggregate classification (germline): Likely benign. Review status: criteria provided, multiple submitters, no conflicts (2 of 4 stars). 5 submissions from 5 submitters: Likely benign (4). 1 of the submissions does not count toward it. Last evaluated 2025-06-24.

Conditions:
Hereditary cancer-predisposing syndrome. Also called: Tumor predisposition; Hereditary neoplastic syndrome; Hereditary Cancer Syndrome; Neoplastic Syndromes, Hereditary. Identifiers: Orphanet 140162, MedGen C0027672, MeSH D009386, MONDO:0015356.
Hereditary breast ovarian cancer syndrome. Also called: Hereditary breast and ovarian cancer syndrome; Hereditary breast and ovarian cancer; Hereditary breast and ovarian cancer syndrome (HBOC); BRCA1- and BRCA2-Associated Hereditary Breast and Ovarian Cancer; Hereditary breast and/or ovarian cancer syndrome; Breast and ovarian cancer. Identifiers: Orphanet 145, MedGen C0677776, MeSH D061325, MONDO:0003582. Disease mechanism: loss of function.

Submissions (5):

Ambry Genetics
Classification: Likely benign for Hereditary cancer-predisposing syndrome. Last evaluated: 2025-06-24. Review status: criteria provided, single submitter. Criteria: Ambry Variant Classification Scheme 2023. Collection method: clinical testing. Allele origin: germline.

Molecular Diagnostics Laboratory, Catalan Institute of Oncology
Classification: Likely benign for Hereditary cancer-predisposing syndrome. Last evaluated: 2025-04-15. Review status: criteria provided, single submitter. Criteria: ClinGen BRCA1BRCA2 ACMG Specifications BRCA2 V1.0.0. Collection method: clinical testing. Allele origin: germline.
Comment: PM2_supporting, BP4, BP7 c.9294C>T, located in a (potentially) clinically important functional domain of BRCA2, is predicted to result in no splicing alteration (according to SpliceAI) and no amino acid change, p.(Tyr3098=) (BP4, BP7). It is not present in the population database gnomAD v2.1.1, non cancer dataset (PM2_supporting). To our knowledge, neither multifactorial analysis nor well-stablished functional studies have been reported for this variant. In addition, the variant has been identified in the ClinVar database as likely benign, and BRCA Exchange database (not yet reviewed), but it is not present in the LOVD database. Based on the currently available information, c.9294C>T is classified as a likely benign variant according to ClinGen-BRCA2 Guidelines version 1.

Color Diagnostics, LLC DBA Color Health
Classification: Likely benign for Hereditary cancer-predisposing syndrome. Last evaluated: 2024-02-19. Review status: criteria provided, single submitter. Criteria: ACMG Guidelines, 2015. Collection method: clinical testing. Allele origin: germline.

Labcorp Genetics (formerly Invitae), Labcorp
Classification: Likely benign for Hereditary breast ovarian cancer syndrome. Last evaluated: 2022-03-13. Review status: criteria provided, single submitter. Criteria: Invitae Variant Classification Sherloc (09022015). Collection method: clinical testing. Allele origin: germline.

Department of Pathology and Laboratory Medicine, Sinai Health System
Classification: Uncertain significance. Review status: no assertion criteria provided. Collection method: clinical testing. Allele origin: unknown. Affected: yes. Study: The Canadian Open Genetics Repository (COGR). Not counted in ClinVar's aggregate classification.
Comment: The BRCA2 p.Tyr3098= variant was not identified in the literature nor was it identified in the dbSNP, ClinVar, COGR, Cosmic, LOVD 3.0, BIC Database, ARUP Laboratories, or Zhejiang University databases. The variant was only identified in UMD-LSDB database (1x as unclassified variant). The variant was not identified in the following control databases: the Exome Aggregation Consortium (August 8th 2016), or the Genome Aggregation Database (Feb 27, 2017). The p.Tyr3098= variant is not expected to have clinical significance because it does not result in a change of amino acid and is not located in a known consensus splice site. In addition, in silico or computational prediction software programs (SpliceSiteFinder, MaxEntScan, NNSPLICE, GeneSplicer) do not predict a difference in splicing. In summary, based on the above information the clinical significance of this variant cannot be determined with certainty at this time. This variant is classified as a variant of uncertain significance.

NM_000059.4(BRCA2):c.9294C>T (p.Tyr3098=)

Gene: BRCA2 (BRCA2 DNA repair associated; plus strand). Cytogenetic location: 13q13.1.
Variant type: single nucleotide variant.
Coding change: c.9294C>T on transcript NM_000059.4 (MANE Select); coding-DNA position 9294, C replaced by T.
Protein change: p.Tyr3098=; no amino-acid change (tyrosine 3098 retained).
Molecular consequence: synonymous variant.
Genome position (GRCh38, 1-based): chr13:32,394,726, C>T. VCF-style: chr13-32394726-C-T. GRCh37 (hg19) VCF-style: chr13-32968863-C-T.
Other names: c.9294C>T (NM_000059.3).
Identifiers: ClinVar variation 1050208 (VCV001050208.9), dbSNP rs80359200, ClinGen allele CA483271011.